The following is an entry in ClinVar:

NM_001164508.2(NEB):c.2161A>G (p.Thr721Ala)

Gene: NEB (nebulin; minus strand). Cytogenetic location: 2q23.3.
Variant type: single nucleotide variant.
Coding change: c.2161A>G on transcript NM_001164508.2 (MANE Select); coding-DNA position 2161, A replaced by G.
Protein change: p.Thr721Ala; replaces threonine 721 with alanine.
Molecular consequence: missense variant.
Genome position (GRCh38, 1-based): chr2:151,691,914, T>C on the plus strand (A>G on the coding strand, the complement: NEB is on the minus strand). VCF-style: chr2-151691914-T-C. GRCh37 (hg19) VCF-style: chr2-152548428-T-C.
Other names: c.2161A>G, p.Thr721Ala (NM_001164507.2, NM_001271208.2, NM_004543.5); short protein forms T721A.
Identifiers: ClinVar variation 3685199 (VCV003685199.2).

ClinVar aggregate classification (germline): Uncertain significance (1 of 4 stars; one submission).

Conditions:
Nemaline myopathy 2 (NEM2). Also called: Nemaline myopathy 2, autosomal recessive. Identifiers: MedGen C1850569, MONDO:0009725, OMIM 256030.

gnomAD v4.1: 1 of 1,607,544 alleles (0.000062%); highest among the groups gnomAD compares: Non-Finnish European, 0.000085%; no homozygotes.

Submission:

Labcorp Genetics (formerly Invitae), Labcorp
Classification: Uncertain significance for Nemaline myopathy 2. Last evaluated: 2024-06-20. Review status: criteria provided, single submitter. Criteria: Invitae Variant Classification Sherloc (09022015). Collection method: clinical testing. Allele origin: germline.
Comment: This sequence change replaces threonine, which is neutral and polar, with alanine, which is neutral and non-polar, at codon 721 of the NEB protein (p.Thr721Ala). This variant is not present in population databases (gnomAD no frequency). This variant has not been reported in the literature in individuals affected with NEB-related conditions. Experimental studies and prediction algorithms are not available or were not evaluated, and the functional significance of this variant is currently unknown. In summary, the available evidence is currently insufficient to determine the role of this variant in disease. Therefore, it has been classified as a Variant of Uncertain Significance.